The following is an entry in ClinVar:

ClinVar aggregate classification (germline): Uncertain significance. Review status: criteria provided, multiple submitters, no conflicts (2 of 4 stars). 2 submissions from 2 submitters: Uncertain significance (2). Last evaluated 2025-03-24.

Conditions:
Inborn genetic diseases. Identifiers: MedGen C0950123, MeSH D030342.

gnomAD v4.1: 22 of 1,613,186 alleles (0.0014%); highest among the groups gnomAD compares: African/African-American, 0.0027%; no homozygotes.

Submissions (2):

Ambry Genetics
Classification: Uncertain significance for Inborn genetic diseases. Last evaluated: 2025-03-24. Review status: criteria provided, single submitter. Criteria: Ambry Variant Classification Scheme 2023. Collection method: clinical testing. Allele origin: germline.
Comment: The p.I305T variant (also known as c.914T>C), located in coding exon 1 of the SAMD9L gene, results from a T to C substitution at nucleotide position 914. The isoleucine at codon 305 is replaced by threonine, an amino acid with similar properties. This amino acid position is conserved. In addition, the in silico prediction for this alteration is inconclusive. Based on the available evidence, the clinical significance of this variant remains unclear.

GeneDx
Classification: Uncertain significance. Last evaluated: 2024-05-06. Review status: criteria provided, single submitter. Criteria: GeneDx Variant Classification Process June 2021. Collection method: clinical testing. Allele origin: germline. Affected: yes.
Comment: Not observed at significant frequency in large population cohorts (gnomAD); In silico analysis supports that this missense variant has a deleterious effect on protein structure/function; Has not been previously published as pathogenic or benign to our knowledge; This variant is associated with the following publications: (PMID: 28545555)

NM_152703.5(SAMD9L):c.914T>C (p.Ile305Thr)

Gene: SAMD9L (sterile alpha motif domain containing 9 like; minus strand). Cytogenetic location: 7q21.2.
Variant type: single nucleotide variant.
Coding change: c.914T>C on transcript NM_152703.5 (MANE Select); coding-DNA position 914, T replaced by C.
Protein change: p.Ile305Thr; replaces isoleucine 305 with threonine.
Molecular consequence: missense variant.
Genome position (GRCh38, 1-based): chr7:93,135,058, A>G on the plus strand (T>C on the coding strand, the complement: SAMD9L is on the minus strand). VCF-style: chr7-93135058-A-G. GRCh37 (hg19) VCF-style: chr7-92764371-A-G.
Other names: c.914T>C, p.Ile305Thr (NM_001303496.3, NM_001303497.3, NM_001303498.3 and 5 more transcripts); c.914T>C (NM_152703.2); short protein forms I305T.
Identifiers: ClinVar variation 3375538 (VCV003375538.2).